The following is an entry in ClinVar:

ClinVar aggregate classification (germline): Uncertain significance (1 of 4 stars; one submission).

Submission:

Ambry Genetics
Classification: Uncertain significance. Last evaluated: 2023-05-19. Review status: criteria provided, single submitter. Criteria: Ambry Variant Classification Scheme 2023. Collection method: clinical testing. Allele origin: germline.
Comment: The p.P942L variant (also known as c.2825C>T), located in coding exon 25 of the KIF1B gene, results from a C to T substitution at nucleotide position 2825. The proline at codon 942 is replaced by leucine, an amino acid with similar properties. This amino acid position is conserved. In addition, this alteration is predicted to be deleterious by in silico analysis. Since supporting evidence is limited at this time, the clinical significance of this alteration remains unclear.

NM_001365951.3(KIF1B):c.2963C>T (p.Pro988Leu)

Gene: KIF1B (kinesin family member 1B; plus strand). Cytogenetic location: 1p36.22.
Variant type: single nucleotide variant.
Coding change: c.2963C>T on transcript NM_001365951.3 (MANE Select); coding-DNA position 2963, C replaced by T.
Protein change: p.Pro988Leu; replaces proline 988 with leucine.
Molecular consequence: missense variant.
Genome position (GRCh38, 1-based): chr1:10,334,558, C>T. VCF-style: chr1-10334558-C-T. GRCh37 (hg19) VCF-style: chr1-10394616-C-T.
Other names: c.2963C>T, p.Pro988Leu (NM_001365952.1); c.2825C>T, p.Pro942Leu (NM_015074.3); short protein forms P942L, P988L.
Identifiers: ClinVar variation 2563645 (VCV002563645.2), dbSNP rs2521700325, ClinGen allele CA338338655.